The following is an entry in ClinVar:

ClinVar aggregate classification (germline): Likely benign. Review status: criteria provided, multiple submitters, no conflicts (2 of 4 stars). 3 submissions from 3 submitters: Likely benign (2). 1 of the submissions does not count toward it. Last evaluated 2023-09-22.

Conditions:
Hereditary cancer-predisposing syndrome. Also called: Hereditary neoplastic syndrome; Neoplastic Syndromes, Hereditary; Tumor predisposition; Hereditary Cancer Syndrome. Identifiers: Orphanet 140162, MedGen C0027672, MeSH D009386, MONDO:0015356.
Microcephaly, normal intelligence and immunodeficiency (NBS). Also called: IMMUNODEFICIENCY, MICROCEPHALY, AND CHROMOSOMAL INSTABILITY; SEEMANOVA SYNDROME II; Nijmegen breakage syndrome; Microcephaly with normal intelligence immunodeficiency and lymphoreticular malignancies; Nonsyndromal microcephaly autosomal recessive with normal intelligence; Seemanova syndrome 2. Identifiers: Orphanet 647, MedGen C0398791, MONDO:0009623, OMIM 251260.
Malignant tumor of breast. Also called: Malignant breast neoplasm; Cancer breast. Identifiers: MedGen C0006142, MONDO:0007254. Disease mechanism: loss of function.

Allele frequency attached by ClinVar (database versions not stated): gnomAD exomes below 0.00001; TOPMed below 0.00001; gnomAD 0.00001.
gnomAD v4.1: 3 of 1,613,938 alleles (0.00019%); highest among the groups gnomAD compares: African/African-American, 0.0013%; no homozygotes.

Submissions (3):

Labcorp Genetics (formerly Invitae), Labcorp
Classification: Likely benign for Microcephaly, normal intelligence and immunodeficiency. Last evaluated: 2023-09-22. Review status: criteria provided, single submitter. Criteria: Invitae Variant Classification Sherloc (09022015). Collection method: clinical testing. Allele origin: germline.

Ambry Genetics
Classification: Likely benign for Hereditary cancer-predisposing syndrome. Last evaluated: 2016-11-29. Review status: criteria provided, single submitter. Criteria: Ambry Variant Classification Scheme 2023. Collection method: clinical testing. Allele origin: germline.

Department of Pathology and Laboratory Medicine, Sinai Health System
Classification: Likely benign for Malignant tumor of breast. Review status: no assertion criteria provided. Collection method: clinical testing. Allele origin: unknown. Affected: yes. Study: The Canadian Open Genetics Repository (COGR). Not counted in ClinVar's aggregate classification.
Comment: The NBN p.Phe102= variant was not identified in the literature nor was it identified in the dbSNP or LOVD 3.0 databases. The variant was identified in ClinVar (classified as likely benign by Ambry Genetics). The variant was not identified in the following control databases: the Exome Aggregation Consortium (August 8th 2016) or the Genome Aggregation Database (Feb 27, 2017). The p.Phe102= variant is not expected to have clinical significance because it does not result in a change of amino acid and is not located in a known consensus splice site. The variant occurs at a non-highly conserved nucleotide outside of the splicing consensus sequence and in silico or computational prediction software programs (SpliceSiteFinder, MaxEntScan, NNSPLICE, GeneSplicer) do not predict a difference in splicing. In summary, based on the above information, the clinical significance of this variant cannot be determined with certainty at this time although we would lean towards a more benign role for this variant. This variant is classified as likely benign.

NM_002485.5(NBN):c.306T>C (p.Phe102=)

Gene: NBN (nibrin; minus strand). Cytogenetic location: 8q21.3.
Variant type: single nucleotide variant.
Coding change: c.306T>C on transcript NM_002485.5 (MANE Select); coding-DNA position 306, T replaced by C.
Protein change: p.Phe102=; no amino-acid change (phenylalanine 102 retained).
Molecular consequence: synonymous variant.
Genome position (GRCh38, 1-based): chr8:89,981,389, A>G on the plus strand (T>C on the coding strand, the complement: NBN is on the minus strand). VCF-style: chr8-89981389-A-G. GRCh37 (hg19) VCF-style: chr8-90993617-A-G.
Other names: c.60T>C, p.Phe20= (NM_001024688.3).
Identifiers: ClinVar variation 481863 (VCV000481863.18), dbSNP rs1554568276, ClinGen allele CA461831429.